The following is an entry in ClinVar:

NM_018451.5(CPAP):c.1975C>G (p.His659Asp)

Gene: CPAP (centrosome assembly and centriole elongation protein; minus strand). Cytogenetic location: 13q12.13.
Variant type: single nucleotide variant.
Coding change: c.1975C>G on transcript NM_018451.5 (MANE Select); coding-DNA position 1975, C replaced by G.
Protein change: p.His659Asp; replaces histidine 659 with aspartic acid.
Molecular consequence: missense variant. On other transcripts: non-coding transcript variant (2).
Genome position (GRCh38, 1-based): chr13:24,906,063, G>C on the plus strand (C>G on the coding strand, the complement: CPAP is on the minus strand). VCF-style: chr13-24906063-G-C. GRCh37 (hg19) VCF-style: chr13-25480201-G-C.
Other names: short protein forms H659D.
Identifiers: ClinVar variation 2082706 (VCV002082706.4), dbSNP rs1055213067, ClinGen allele CA247081724.

ClinVar aggregate classification (germline): Uncertain significance (1 of 4 stars; one submission).

Allele frequency attached by ClinVar (database versions not stated): gnomAD 0.00001; gnomAD exomes 0.00001; TOPMed 0.00001.
gnomAD v4.1: 10 of 1,613,718 alleles (0.00062%); highest among the groups gnomAD compares: African/African-American, 0.0027%; no homozygotes.

Submission:

Labcorp Genetics (formerly Invitae), Labcorp
Classification: Uncertain significance. Last evaluated: 2022-05-31. Review status: criteria provided, single submitter. Criteria: Invitae Variant Classification Sherloc (09022015). Collection method: clinical testing. Allele origin: germline.
Comment: In summary, the available evidence is currently insufficient to determine the role of this variant in disease. Therefore, it has been classified as a Variant of Uncertain Significance. Algorithms developed to predict the effect of missense changes on protein structure and function output the following: SIFT: "Tolerated"; PolyPhen-2: "Benign"; Align-GVGD: "Class C0". The aspartic acid amino acid residue is found in multiple mammalian species, which suggests that this missense change does not adversely affect protein function. This variant has not been reported in the literature in individuals affected with CENPJ-related conditions. This variant is present in population databases (no rsID available, gnomAD 0.002%). This sequence change replaces histidine, which is basic and polar, with aspartic acid, which is acidic and polar, at codon 659 of the CENPJ protein (p.His659Asp).